The following is an entry in ClinVar:

NM_001184900.3(CARD8):c.1058G>T (p.Arg353Leu)

Gene: CARD8 (caspase recruitment domain family member 8; minus strand). Cytogenetic location: 19q13.33.
Variant type: single nucleotide variant.
Coding change: c.1058G>T on transcript NM_001184900.3 (MANE Select); coding-DNA position 1058, G replaced by T.
Protein change: p.Arg353Leu; replaces arginine 353 with leucine.
Molecular consequence: missense variant. On other transcripts: non-coding transcript variant (3).
Genome position (GRCh38, 1-based): chr19:48,221,833, C>A on the plus strand (G>T on the coding strand, the complement: CARD8 is on the minus strand). VCF-style: chr19-48221833-C-A. GRCh37 (hg19) VCF-style: chr19-48725090-C-A.
Other names: c.815G>T, p.Arg272Leu (NM_001351790.2); c.743G>T, p.Arg248Leu (NM_001351791.2, NM_001351792.2, NM_001351784.2 and 1 more transcripts); c.740G>T, p.Arg247Leu (NM_001365950.1); c.908G>T, p.Arg303Leu (NM_014959.5, NM_001184901.1, NM_001351783.2 and 2 more transcripts); c.1058G>T, p.Arg353Leu (NM_001184902.2, NM_001184903.1, NM_001351782.2); c.722G>T, p.Arg241Leu (NM_001351786.2); short protein forms R248L, R247L, R303L, R272L, R353L, R241L.
Identifiers: ClinVar variation 3692695 (VCV003692695.2).
Genomic context (GRCh38, chr19:48,221,833, plus strand): 5'-CTGGAACCAAAGTTCAGGGGTTCCATTGGGGGCGAAGTCTGCAGGCGCACACCATGGAAG[C>A]GATCTTCCTCATCATCTATCGCCTAAGGAAGAAGGGGCAGAAACATTAGAGAGCACAAAA-3'
Protein context (NP_001171829.1, residues 343-363): LTKAIDDEED[Arg353Leu]FHGVRLQTSP

ClinVar aggregate classification (germline): Uncertain significance (1 of 4 stars; one submission).

Submission:

Labcorp Genetics (formerly Invitae), Labcorp
Classification: Uncertain significance. Last evaluated: 2026-01-26. Review status: criteria provided, single submitter. Criteria: Invitae Variant Classification Sherloc (09022015). Collection method: clinical testing. Allele origin: germline.
Comment: This sequence change replaces arginine, which is basic and polar, with leucine, which is neutral and non-polar, at codon 303 of the CARD8 protein (p.Arg303Leu). This variant is not present in population databases (gnomAD no frequency). This variant has not been reported in the literature in individuals affected with CARD8-related conditions. ClinVar contains an entry for this variant (Variation ID: 3692695). An algorithm developed to predict the effect of missense changes on protein structure and function (PolyPhen-2) suggests that this variant is likely to be disruptive. In summary, the available evidence is currently insufficient to determine the role of this variant in disease. Therefore, it has been classified as a Variant of Uncertain Significance.